The following is an entry in ClinVar:

ClinVar aggregate classification (germline): Uncertain significance. Review status: criteria provided, multiple submitters, no conflicts (2 of 4 stars). 2 submissions from 2 submitters: Uncertain significance (2). Last evaluated 2025-07-15.

Conditions:
Inborn genetic diseases. Identifiers: MedGen C0950123, MeSH D030342.
Spastic paraplegia. Identifiers: MedGen C0037772, HP:0001258.

Allele frequency attached by ClinVar (database versions not stated): gnomAD exomes 0.00001; gnomAD 0.00002; TOPMed 0.00002.
gnomAD v4.1: 10 of 1,613,484 alleles (0.00062%); highest among the groups gnomAD compares: Non-Finnish European, 0.00085%; no homozygotes.

Submissions (2):

Ambry Genetics
Classification: Uncertain significance for Inborn genetic diseases. Last evaluated: 2025-07-15. Review status: criteria provided, single submitter. Criteria: Ambry Variant Classification Scheme 2023. Collection method: clinical testing. Allele origin: germline.

Labcorp Genetics (formerly Invitae), Labcorp
Classification: Uncertain significance for Spastic paraplegia. Last evaluated: 2023-08-24. Review status: criteria provided, single submitter. Criteria: Invitae Variant Classification Sherloc (09022015). Collection method: clinical testing. Allele origin: germline.
Comment: This sequence change replaces alanine, which is neutral and non-polar, with threonine, which is neutral and polar, at codon 849 of the ZFYVE26 protein (p.Ala849Thr). In summary, the available evidence is currently insufficient to determine the role of this variant in disease. Therefore, it has been classified as a Variant of Uncertain Significance. An algorithm developed to predict the effect of missense changes on protein structure and function (PolyPhen-2) suggests that this variant is likely to be disruptive. ClinVar contains an entry for this variant (Variation ID: 1899182). This variant has not been reported in the literature in individuals affected with ZFYVE26-related conditions. This variant is present in population databases (no rsID available, gnomAD 0.0009%).

NM_015346.4(ZFYVE26):c.2545G>A (p.Ala849Thr)

Gene: ZFYVE26 (zinc finger FYVE-type containing 26; minus strand). Cytogenetic location: 14q24.1.
Variant type: single nucleotide variant.
Coding change: c.2545G>A on transcript NM_015346.4 (MANE Select); coding-DNA position 2545, G replaced by A.
Protein change: p.Ala849Thr; replaces alanine 849 with threonine.
Molecular consequence: missense variant.
Genome position (GRCh38, 1-based): chr14:67,793,616, C>T on the plus strand (G>A on the coding strand, the complement: ZFYVE26 is on the minus strand). VCF-style: chr14-67793616-C-T. GRCh37 (hg19) VCF-style: chr14-68260333-C-T.
Other names: c.2545G>A (NM_015346.3); short protein forms A849T.
Identifiers: ClinVar variation 1899182 (VCV001899182.6), dbSNP rs1300096381, ClinGen allele CA390174216.